The following is an entry in ClinVar:

ClinVar aggregate classification (germline): Benign. Review status: criteria provided, multiple submitters, no conflicts (2 of 4 stars). 2 submissions from 2 submitters: Benign (2). Last evaluated 2018-08-15.

Conditions:
Methylmalonic aciduria, cblA type (MACA). Also called: Methylmalonic aciduria, vitamin b12-responsive, due to defect in synthesis of adenosylcobalamin, cbla complementation type; MMA cbl A type; Methylmalonic acidemia cblA type; Methylmalonic aciduria, vitamin B12-responsive; Vitamin B12-responsive methylmalonic acidemia type cblA. Identifiers: Orphanet 28, Orphanet 79310, MedGen C1855109, MONDO:0009613, OMIM 251100.

Allele frequency attached by ClinVar (database versions not stated): gnomAD exomes 0.00690; gnomAD 0.03738; 1000 Genomes Project 30x 0.03966; 1000 Genomes Project 0.04034; TOPMed 0.04422.

Submissions (2):

GeneDx
Classification: Benign. Last evaluated: 2018-08-15. Review status: criteria provided, single submitter. Criteria: GeneDx Variant Classification Process June 2021. Collection method: clinical testing. Allele origin: germline. Affected: yes.

Illumina Laboratory Services, Illumina
Classification: Benign for Methylmalonic aciduria, cblA type. Last evaluated: 2018-01-13. Review status: criteria provided, single submitter. Criteria: ICSL Variant Classification Criteria 13 December 2019. Collection method: clinical testing. Allele origin: germline.
Comment: This variant was observed in the ICSL laboratory as part of a predisposition screen in an ostensibly healthy population. It had not been previously curated by ICSL or reported in the Human Gene Mutation Database (HGMD: prior to June 1st, 2018), and was therefore a candidate for classification through an automated scoring system. Utilizing variant allele frequency, disease prevalence and penetrance estimates, and inheritance mode, an automated score was calculated to assess if this variant is too frequent to cause the disease. Based on the score and internal cut-off values, a variant classified as benign is not then subjected to further curation. The score for this variant resulted in a classification of benign for this disease.

NM_172250.3(MMAA):c.*306T>A

Gene: MMAA (metabolism of cobalamin associated A; plus strand). Cytogenetic location: 4q31.21.
Variant type: single nucleotide variant.
Coding change: c.*306T>A on transcript NM_172250.3 (MANE Select); 306 bases downstream of the stop codon, T replaced by A.
Molecular consequence: 3 prime UTR variant.
Genome position (GRCh38, 1-based): chr4:145,655,740, T>A. VCF-style: chr4-145655740-T-A. GRCh37 (hg19) VCF-style: chr4-146576892-T-A.
Identifiers: ClinVar variation 347615 (VCV000347615.6), dbSNP rs74409983, ClinGen allele CA10617113.